The following is an entry in ClinVar:

ClinVar aggregate classification (germline): Uncertain significance (1 of 4 stars; one submission).

Conditions:
Myasthenic syndrome, congenital, 24, presynaptic. Identifiers: MedGen C4748684, MONDO:0032597, OMIM 618198.

Submission:

New York Genome Center
Classification: Uncertain significance for Myasthenic syndrome, congenital, 24, presynaptic. Last evaluated: 2020-10-02. Review status: criteria provided, single submitter. Criteria: NYGC Assertion Criteria 2020. Collection method: clinical testing. Allele origin: de novo. Observed: 1 heterozygote. Study: CSER-NYCKidSeq.

NM_006901.4(MYO9A):c.1658G>A (p.Cys553Tyr)

Gene: MYO9A (myosin IXA; minus strand). Cytogenetic location: 15q23.
Variant type: single nucleotide variant.
Coding change: c.1658G>A on transcript NM_006901.4 (MANE Select); coding-DNA position 1658, G replaced by A.
Protein change: p.Cys553Tyr; replaces cysteine 553 with tyrosine.
Molecular consequence: missense variant.
Genome position (GRCh38, 1-based): chr15:71,991,167, C>T on the plus strand (G>A on the coding strand, the complement: MYO9A is on the minus strand). VCF-style: chr15-71991167-C-T. GRCh37 (hg19) VCF-style: chr15-72283508-C-T.
Other names: c.1658G>A (NM_006901.3); short protein forms C553Y.
Identifiers: ClinVar variation 1213758 (VCV001213758.3), dbSNP rs777351425, ClinGen allele CA393053606.
Genomic context (GRCh38, chr15:71,991,167, plus strand): 5'-TCCAATTTAAAGATATGCTGATTAAAGTAGTGCTGTAAACGTTCATTAGCAAAATTAATA[C>T]AGAACTGTTCAAAGCTGTTATTTTCATAATCTTCAAACCCAAAAATATCAAGAACACCAA-3'
Protein context (NP_008832.2, residues 543-563): DYENNSFEQF[Cys553Tyr]INFANERLQH